The following is an entry in ClinVar:

ClinVar aggregate classification (germline): Benign/Likely benign. Review status: criteria provided, multiple submitters, no conflicts (2 of 4 stars). 4 submissions from 4 submitters: Benign (1); Likely benign (3). Last evaluated 2025-05-15.

Conditions:
Oligodontia-cancer predisposition syndrome. Also called: TOOTH AGENESIS-COLORECTAL CANCER SYNDROME. Identifiers: Orphanet 300576, MedGen C1837750, MONDO:0012075, OMIM 608615. Disease mechanism: loss of function.
Hereditary cancer-predisposing syndrome. Also called: Neoplastic Syndromes, Hereditary; Tumor predisposition; Hereditary Cancer Syndrome; Hereditary neoplastic syndrome. Identifiers: Orphanet 140162, MedGen C0027672, MeSH D009386, MONDO:0015356.

Allele frequency attached by ClinVar (database versions not stated): gnomAD exomes 0.00001; ExAC 0.00007.
gnomAD v4.1: 4 of 1,556,934 alleles (0.00026%); highest among the groups gnomAD compares: South Asian, 0.0012%; no homozygotes.

Submissions (4):

Labcorp Genetics (formerly Invitae), Labcorp
Classification: Likely benign for Oligodontia-cancer predisposition syndrome. Last evaluated: 2025-05-15. Review status: criteria provided, single submitter. Criteria: Invitae Variant Classification Sherloc (09022015). Collection method: clinical testing. Allele origin: germline.

Myriad Genetics, Inc.
Classification: Benign for Oligodontia-cancer predisposition syndrome. Last evaluated: 2024-07-02. Review status: criteria provided, single submitter. Criteria: Myriad Autosomal Dominant, Autosomal Recessive and X-Linked Classification Criteria (2023). Collection method: clinical testing. Allele origin: unknown.
Comment: This variant is considered benign. This variant is a silent/synonymous amino acid change and it is not expected to impact splicing.

KCCC/NGS Laboratory, Kuwait Cancer Control Center
Classification: Likely benign for Oligodontia-cancer predisposition syndrome. Last evaluated: 2023-07-07. Review status: criteria provided, single submitter. Criteria: ACMG Guidelines, 2015. Collection method: clinical testing. Allele origin: germline. Affected: yes.

Ambry Genetics
Classification: Likely benign for Hereditary cancer-predisposing syndrome. Last evaluated: 2022-03-27. Review status: criteria provided, single submitter. Criteria: Ambry Variant Classification Scheme 2023. Collection method: clinical testing. Allele origin: germline.

NM_004655.4(AXIN2):c.1356C>T (p.Cys452=)

Gene: AXIN2 (axin 2; minus strand). Cytogenetic location: 17q24.1.
Variant type: single nucleotide variant.
Coding change: c.1356C>T on transcript NM_004655.4 (MANE Select); coding-DNA position 1356, C replaced by T.
Protein change: p.Cys452=; no amino-acid change (cysteine 452 retained).
Molecular consequence: synonymous variant.
Genome position (GRCh38, 1-based): chr17:65,537,680, G>A on the plus strand (C>T on the coding strand, the complement: AXIN2 is on the minus strand). VCF-style: chr17-65537680-G-A. GRCh37 (hg19) VCF-style: chr17-63533798-G-A.
Other names: c.1356C>T, p.Cys452= (NM_001363813.1); c.1356C>T (LRG_296t1).
Identifiers: ClinVar variation 464540 (VCV000464540.15), dbSNP rs746454700, ClinGen allele CA8718674.